The following is an entry in ClinVar:

ClinVar aggregate classification (germline): Uncertain significance (1 of 4 stars; one submission).

Submission:

GeneDx
Classification: Uncertain significance. Last evaluated: 2026-02-21. Review status: criteria provided, single submitter. Criteria: GeneDx Variant Classification Process June 2021. Collection method: clinical testing. Allele origin: germline.
Comment: Not observed at significant frequency in large population cohorts (gnomAD); In silico analysis suggests that this missense variant does not alter protein structure/function; Has not been previously published as pathogenic or benign to our knowledge

NM_021964.3(ZNF148):c.474T>A (p.Asn158Lys)

Gene: ZNF148 (zinc finger protein 148; minus strand). Cytogenetic location: 3q21.2.
Variant type: single nucleotide variant.
Coding change: c.474T>A on transcript NM_021964.3 (MANE Select); coding-DNA position 474, T replaced by A.
Protein change: p.Asn158Lys; replaces asparagine 158 with lysine.
Molecular consequence: missense variant.
Genome position (GRCh38, 1-based): chr3:125,279,233, A>T on the plus strand (T>A on the coding strand, the complement: ZNF148 is on the minus strand). VCF-style: chr3-125279233-A-T. GRCh37 (hg19) VCF-style: chr3-124998077-A-T.
Other names: c.474T>A, p.Asn158Lys (NM_001348424.1, NM_001348425.2, NM_001348426.2 and 8 more transcripts); c.348T>A, p.Asn116Lys (NM_001348434.2); short protein forms N116K, N158K.
Identifiers: ClinVar variation 4976193 (VCV004976193.1).